The following is an entry in ClinVar:

ClinVar aggregate classification (germline): Uncertain significance. Review status: criteria provided, multiple submitters, no conflicts (2 of 4 stars). 2 submissions from 2 submitters: Uncertain significance (2). Last evaluated 2024-05-20.

Conditions:
Joubert syndrome 8 (JBTS8). Identifiers: Orphanet 475, MedGen C2676771, MONDO:0012855, OMIM 612291.

Submissions (2):

Labcorp Genetics (formerly Invitae), Labcorp
Classification: Uncertain significance for Joubert syndrome 8. Last evaluated: 2024-05-20. Review status: criteria provided, single submitter. Criteria: Invitae Variant Classification Sherloc (09022015). Collection method: clinical testing. Allele origin: germline.
Comment: This sequence change replaces phenylalanine, which is neutral and non-polar, with valine, which is neutral and non-polar, at codon 314 of the ARL13B protein (p.Phe314Val). This variant is not present in population databases (gnomAD no frequency). This variant has not been reported in the literature in individuals affected with ARL13B-related conditions. ClinVar contains an entry for this variant (Variation ID: 1312804). An algorithm developed to predict the effect of missense changes on protein structure and function (PolyPhen-2) suggests that this variant is likely to be tolerated. In summary, the available evidence is currently insufficient to determine the role of this variant in disease. Therefore, it has been classified as a Variant of Uncertain Significance.

GeneDx
Classification: Uncertain significance. Last evaluated: 2020-06-30. Review status: criteria provided, single submitter. Criteria: GeneDx Variant Classification Process June 2021. Collection method: clinical testing. Allele origin: germline. Affected: yes.
Comment: Not observed in large population cohorts (Lek et al., 2016); In silico analysis supports that this missense variant does not alter protein structure/function; Has not been previously published as pathogenic or benign to our knowledge

NM_001174150.2(ARL13B):c.940T>G (p.Phe314Val)

Gene: ARL13B (ARF like GTPase 13B; plus strand). Cytogenetic location: 3q11.2.
Variant type: single nucleotide variant.
Coding change: c.940T>G on transcript NM_001174150.2 (MANE Select); coding-DNA position 940, T replaced by G.
Protein change: p.Phe314Val; replaces phenylalanine 314 with valine.
Molecular consequence: missense variant. On other transcripts: non-coding transcript variant (2).
Genome position (GRCh38, 1-based): chr3:94,043,156, T>G. VCF-style: chr3-94043156-T-G. GRCh37 (hg19) VCF-style: chr3-93762000-T-G.
Other names: c.631T>G, p.Phe211Val (NM_001174151.2); c.895T>G, p.Phe299Val (NM_001321328.2); c.619T>G, p.Phe207Val (NM_144996.4); c.940T>G, p.Phe314Val (NM_182896.3); short protein forms F207V, F211V, F299V, F314V.
Identifiers: ClinVar variation 1312804 (VCV001312804.6), dbSNP rs2107152334, ClinGen allele CA353679133.